The following is an entry in ClinVar:

ClinVar aggregate classification (germline): Uncertain significance (1 of 4 stars; one submission).

Conditions:
Leber congenital amaurosis 3 (LCA3). Also called: SPATA7-Related Retinitis Pigmentosa. Identifiers: MedGen C1858677, MONDO:0011415, OMIM 604232.

Allele frequency attached by ClinVar (database versions not stated): TOPMed below 0.00001; ExAC 0.00001; gnomAD exomes 0.00001.
gnomAD v4.1: 3 of 1,613,800 alleles (0.00019%); highest among the groups gnomAD compares: Admixed American, 0.005%; no homozygotes.

Submission:

Labcorp Genetics (formerly Invitae), Labcorp
Classification: Uncertain significance for Leber congenital amaurosis 3. Last evaluated: 2021-08-20. Review status: criteria provided, single submitter. Criteria: Invitae Variant Classification Sherloc (09022015). Collection method: clinical testing. Allele origin: germline.
Comment: This sequence change replaces proline with serine at codon 563 of the SPATA7 protein (p.Pro563Ser). The proline residue is weakly conserved and there is a moderate physicochemical difference between proline and serine. This variant is present in population databases (rs748651087, ExAC 0.009%). This variant has not been reported in the literature in individuals affected with SPATA7-related conditions. Algorithms developed to predict the effect of missense changes on protein structure and function are either unavailable or do not agree on the potential impact of this missense change (SIFT: "Deleterious"; PolyPhen-2: "Benign"; Align-GVGD: "Class C0"). In summary, the available evidence is currently insufficient to determine the role of this variant in disease. Therefore, it has been classified as a Variant of Uncertain Significance.

NM_018418.5(SPATA7):c.1687C>T (p.Pro563Ser)

Gene: SPATA7 (spermatogenesis associated 7; plus strand). Cytogenetic location: 14q31.3.
Variant type: single nucleotide variant.
Coding change: c.1687C>T on transcript NM_018418.5 (MANE Select); coding-DNA position 1687, C replaced by T.
Protein change: p.Pro563Ser; replaces proline 563 with serine.
Molecular consequence: missense variant.
Genome position (GRCh38, 1-based): chr14:88,438,309, C>T. VCF-style: chr14-88438309-C-T. GRCh37 (hg19) VCF-style: chr14-88904653-C-T.
Other names: c.1591C>T, p.Pro531Ser (NM_001040428.4); short protein forms P531S, P563S.
Identifiers: ClinVar variation 862956 (VCV000862956.7), dbSNP rs748651087, ClinGen allele CA7298850.